The following is an entry in ClinVar:

ClinVar aggregate classification (germline): Uncertain significance (1 of 4 stars; one submission).

Conditions:
Hereditary insensitivity to pain with anhidrosis (CIPA). Also called: NTRK1 Congenital Insensitivity to Pain with Anhidrosis; INSENSITIVITY TO PAIN, CONGENITAL, WITH ANHIDROSIS; NEUROPATHY, CONGENITAL SENSORY, WITH ANHIDROSIS; HSAN Type IV; FAMILIAL DYSAUTONOMIA, TYPE II; hereditary sensory and autonomic neuropathy type 4. Identifiers: Orphanet 642, MedGen C0020074, MONDO:0009746, OMIM 256800.

gnomAD v4.1: 1 of 1,562,062 alleles (0.000064%); no homozygotes.

Submission:

Labcorp Genetics (formerly Invitae), Labcorp
Classification: Uncertain significance for Hereditary insensitivity to pain with anhidrosis. Last evaluated: 2024-10-14. Review status: criteria provided, single submitter. Criteria: Invitae Variant Classification Sherloc (09022015). Collection method: clinical testing. Allele origin: germline.
Comment: This sequence change replaces cysteine, which is neutral and slightly polar, with tyrosine, which is neutral and polar, at codon 40 of the NTRK1 protein (p.Cys40Tyr). This variant is not present in population databases (gnomAD no frequency). This variant has not been reported in the literature in individuals affected with NTRK1-related conditions. Invitae Evidence Modeling of protein sequence and biophysical properties (such as structural, functional, and spatial information, amino acid conservation, physicochemical variation, residue mobility, and thermodynamic stability) has been performed for this missense variant. However, the output from this modeling did not meet the statistical confidence thresholds required to predict the impact of this variant on NTRK1 protein function. In summary, the available evidence is currently insufficient to determine the role of this variant in disease. Therefore, it has been classified as a Variant of Uncertain Significance.

NM_002529.4(NTRK1):c.119G>A (p.Cys40Tyr)

Gene: NTRK1 (neurotrophic receptor tyrosine kinase 1; plus strand). Cytogenetic location: 1q23.1.
Variant type: single nucleotide variant.
Coding change: c.119G>A on transcript NM_002529.4 (MANE Select); coding-DNA position 119, G replaced by A.
Protein change: p.Cys40Tyr; replaces cysteine 40 with tyrosine.
Molecular consequence: missense variant. On other transcripts: intron variant (1).
Genome position (GRCh38, 1-based): chr1:156,861,053, G>A. VCF-style: chr1-156861053-G-A. GRCh37 (hg19) VCF-style: chr1-156830845-G-A.
Other names: c.119G>A, p.Cys40Tyr (NM_001012331.2); c.123-3301G>A (NM_001007792.1); short protein forms C40Y.
Identifiers: ClinVar variation 3699114 (VCV003699114.2).
Genomic context (GRCh38, chr1:156,861,053, plus strand): 5'-GCAGCCTGCTGGCTTGGCTGATACTGGCATCTGCGGGCGCCGCACCCTGCCCCGATGCCT[G>A]CTGCCCCCACGGCTCCTCGGGACTGCGATGCACCCGGGATGGGGCCCTGGATAGCCTCCA-3'
Protein context (NP_002520.2, residues 30-50): SAGAAPCPDA[Cys40Tyr]CPHGSSGLRC